The following is an entry in ClinVar:

NM_001370348.2(PHF3):c.1584G>A (p.Val528=)

Gene: PHF3 (PHD finger protein 3; plus strand). Cytogenetic location: 6q12.
Variant type: single nucleotide variant.
Coding change: c.1584G>A on transcript NM_001370348.2 (MANE Select); coding-DNA position 1584, G replaced by A.
Protein change: p.Val528=; no amino-acid change (valine 528 retained).
Molecular consequence: synonymous variant. On other transcripts: intron variant (1).
Genome position (GRCh38, 1-based): chr6:63,685,306, G>A. VCF-style: chr6-63685306-G-A. GRCh37 (hg19) VCF-style: chr6-64395207-G-A.
Other names: c.1320G>A, p.Val440= (NM_001290259.2, NM_001370349.2); c.1584G>A, p.Val528= (NM_001290260.2, NM_015153.4); c.-5+5145G>A (NM_001370350.2).
Identifiers: ClinVar variation 3035077 (VCV003035077.4), dbSNP rs199651363, ClinGen allele CA3875714.

ClinVar aggregate classification (germline): Likely benign. Review status: criteria provided, single submitter (1 of 4 stars). 2 submissions from 2 submitters: Likely benign (1). 1 of the submissions does not count toward it. Last evaluated 2026-05-01.

Conditions:
PHF3-related disorder. Also called: PHF3-related condition.

Allele frequency attached by ClinVar (database versions not stated): 1000 Genomes Project 30x 0.00031; ExAC 0.00008; 1000 Genomes Project 0.00020.

Submissions (2):

CeGaT Center for Human Genetics Tuebingen
Classification: Likely benign. Last evaluated: 2026-05-01. Review status: criteria provided, single submitter. Criteria: CeGaT Center For Human Genetics Tuebingen Variant Classification Criteria Version 2. Collection method: clinical testing. Allele origin: germline. Affected: yes. Observed: 1 variant allele.
Comment: PHF3: BP4, BP7

PreventionGenetics, part of Exact Sciences
Classification: Likely benign for PHF3-related condition. Last evaluated: 2019-08-07. Review status: no assertion criteria provided. Collection method: clinical testing. Allele origin: germline. Not counted in ClinVar's aggregate classification.
Comment: This variant is classified as likely benign based on ACMG/AMP sequence variant interpretation guidelines (Richards et al. 2015 PMID: 25741868, with internal and published modifications).